The following is an entry in ClinVar:

NM_006073.4(TRDN):c.1805-6del

Gene: TRDN (triadin; minus strand). Cytogenetic location: 6q22.31.
Variant type: Deletion.
Coding change: c.1805-6del on transcript NM_006073.4 (MANE Select); 6 bases into the intron before coding-DNA position 1805, one base deleted (C; older notation c.1805-6delC).
Molecular consequence: intron variant.
Genome position (GRCh38, 1-based): chr6:123,260,644, G deleted on the plus strand (C on the coding strand, the reverse complement: TRDN is on the minus strand). VCF-style (leftmost placement, unchanged base first): chr6-123260643-AG-A. GRCh37 (hg19) VCF-style: chr6-123581788-AG-A.
Identifiers: ClinVar variation 3036578 (VCV003036578.2), dbSNP rs374141571, ClinGen allele CA147228491.

ClinVar aggregate classification (germline): Likely benign (0 of 4 stars; one submission).

Conditions:
TRDN-related disorder. Also called: TRDN-related condition.

Allele frequency attached by ClinVar (database versions not stated): gnomAD exomes 0.00008.

Submission:

PreventionGenetics, part of Exact Sciences
Classification: Likely benign for TRDN-related condition. Last evaluated: 2020-06-22. Review status: no assertion criteria provided. Collection method: clinical testing. Allele origin: germline.
Comment: This variant is classified as likely benign based on ACMG/AMP sequence variant interpretation guidelines (Richards et al. 2015 PMID: 25741868, with internal and published modifications).